The following is an entry in ClinVar:

NM_014989.7(RIMS1):c.1729A>G (p.Thr577Ala)

Gene: RIMS1 (regulating synaptic membrane exocytosis 1; plus strand). Cytogenetic location: 6q13.
Variant type: single nucleotide variant.
Coding change: c.1729A>G on transcript NM_014989.7 (MANE Select); coding-DNA position 1729, A replaced by G.
Protein change: p.Thr577Ala; replaces threonine 577 with alanine.
Molecular consequence: missense variant. On other transcripts: 5 prime UTR variant (9).
Genome position (GRCh38, 1-based): chr6:72,233,823, A>G. VCF-style: chr6-72233823-A-G. GRCh37 (hg19) VCF-style: chr6-72943526-A-G.
Other names: c.151A>G, p.Thr51Ala (NM_001168407.2, NM_001168408.2, NM_001350414.2 and 37 more transcripts); c.-93A>G (NM_001168409.2, NM_001350461.2, NM_001350463.2 and 6 more transcripts); c.106A>G, p.Thr36Ala (NM_001168410.2, NM_001350470.2, NM_001350472.2 and 2 more transcripts); c.82A>G, p.Thr28Ala (NM_001350421.2, NM_001350424.2, NM_001350428.2 and 6 more transcripts); short protein forms T28A, T36A, T51A, T577A.
Identifiers: ClinVar variation 1410098 (VCV001410098.8), dbSNP rs1460349303, ClinGen allele CA364823427.

ClinVar aggregate classification (germline): Uncertain significance (1 of 4 stars; one submission).

Allele frequency attached by ClinVar (database versions not stated): gnomAD exomes below 0.00001.
gnomAD v4.1: 2 of 1,580,726 alleles (0.00013%); highest among the groups gnomAD compares: Non-Finnish European, 0.00017%; no homozygotes.

Submission:

Labcorp Genetics (formerly Invitae), Labcorp
Classification: Uncertain significance. Last evaluated: 2022-07-18. Review status: criteria provided, single submitter. Criteria: Invitae Variant Classification Sherloc (09022015). Collection method: clinical testing. Allele origin: germline.
Comment: The frequency data for this variant in the population databases is considered unreliable, as metrics indicate poor data quality at this position in the gnomAD database. In summary, the available evidence is currently insufficient to determine the role of this variant in disease. Therefore, it has been classified as a Variant of Uncertain Significance. Algorithms developed to predict the effect of missense changes on protein structure and function (SIFT, PolyPhen-2, Align-GVGD) all suggest that this variant is likely to be disruptive. ClinVar contains an entry for this variant (Variation ID: 1410098). This variant has not been reported in the literature in individuals affected with RIMS1-related conditions. This sequence change replaces threonine, which is neutral and polar, with alanine, which is neutral and non-polar, at codon 577 of the RIMS1 protein (p.Thr577Ala).